The following is an entry in ClinVar:

ClinVar aggregate classification (germline): Uncertain significance (1 of 4 stars; one submission).

Conditions:
Distal hereditary motor neuropathy type 2. Identifiers: Orphanet 139525, MedGen C3711384, MeSH C580044, MONDO:0015352.

gnomAD v4.1: 2 of 1,614,022 alleles (0.00012%); highest among the groups gnomAD compares: Non-Finnish European, 0.00017%; no homozygotes.

Submission:

Labcorp Genetics (formerly Invitae), Labcorp
Classification: Uncertain significance for Distal hereditary motor neuropathy type 2. Last evaluated: 2024-01-31. Review status: criteria provided, single submitter. Criteria: Invitae Variant Classification Sherloc (09022015). Collection method: clinical testing. Allele origin: germline.
Comment: This sequence change replaces proline, which is neutral and non-polar, with threonine, which is neutral and polar, at codon 781 of the FBXO38 protein (p.Pro781Thr). This variant is present in population databases (rs116266000, gnomAD 0.0009%). This variant has not been reported in the literature in individuals affected with FBXO38-related conditions. ClinVar contains an entry for this variant (Variation ID: 958568). Advanced modeling of protein sequence and biophysical properties (such as structural, functional, and spatial information, amino acid conservation, physicochemical variation, residue mobility, and thermodynamic stability) performed at Invitae indicates that this missense variant is not expected to disrupt FBXO38 protein function with a negative predictive value of 80%. In summary, the available evidence is currently insufficient to determine the role of this variant in disease. Therefore, it has been classified as a Variant of Uncertain Significance.

NM_205836.3(FBXO38):c.2341C>A (p.Pro781Thr)

Gene: FBXO38 (F-box protein 38; plus strand). Cytogenetic location: 5q32.
Variant type: single nucleotide variant.
Coding change: c.2341C>A on transcript NM_205836.3 (MANE Select); coding-DNA position 2341, C replaced by A.
Protein change: p.Pro781Thr; replaces proline 781 with threonine.
Molecular consequence: missense variant. On other transcripts: intron variant (1).
Genome position (GRCh38, 1-based): chr5:148,427,635, C>A. VCF-style: chr5-148427635-C-A. GRCh37 (hg19) VCF-style: chr5-147807198-C-A.
Other names: c.2341C>A, p.Pro781Thr (NM_030793.5); c.1918+1934C>A (NM_001271723.2); short protein forms P781T.
Identifiers: ClinVar variation 958568 (VCV000958568.9), dbSNP rs116266000, ClinGen allele CA3497499.